The following is an entry in ClinVar:

NM_001999.4(FBN2):c.6285A>G (p.Arg2095=)

Gene: FBN2 (fibrillin 2; minus strand). Cytogenetic location: 5q23.3.
Variant type: single nucleotide variant.
Coding change: c.6285A>G on transcript NM_001999.4 (MANE Select); coding-DNA position 6285, A replaced by G.
Protein change: p.Arg2095=; no amino-acid change (arginine 2095 retained).
Molecular consequence: synonymous variant.
Genome position (GRCh38, 1-based): chr5:128,291,536, T>C on the plus strand (A>G on the coding strand, the complement: FBN2 is on the minus strand). VCF-style: chr5-128291536-T-C. GRCh37 (hg19) VCF-style: chr5-127627228-T-C.
Identifiers: ClinVar variation 213243 (VCV000213243.23), dbSNP rs28763933, ClinGen allele CA322025.
Genomic context (GRCh38, chr5:128,291,536, plus strand): 5'-GCTTTAAAGTTTCTAAGCGTGAACTGTGACAGTGAAGTCATGCCAAATCTTACCAAAGCA[T>C]CTCCGTCCATTATCAGATAGTACAAAGCCAGGGGGGCAGAGGCACTGGAAGCCCCCTGGA-3'
Protein context (NP_001990.2, residues 2085-2105): PGFVLSDNGR[Arg2095=]CFDTRQSFCF

ClinVar aggregate classification (germline): Benign/Likely benign. Review status: criteria provided, multiple submitters, no conflicts (2 of 4 stars). 8 submissions from 8 submitters: Benign (6); Likely benign (2). Last evaluated 2025-11-03.

Conditions:
Ehlers-Danlos syndrome (EDS). Identifiers: Orphanet 98249, MedGen C0013720, MONDO:0020066.
Familial thoracic aortic aneurysm and aortic dissection (TAAD). Also called: Thoracic aortic aneurysms and dissections. Identifiers: Orphanet 91387, MedGen C4707243, MONDO:0019625.
Congenital contractural arachnodactyly (CCA). Also called: BEALS SYNDROME; Beals-Hecht syndrome; Arthrogryposis, distal, type 9. Identifiers: Orphanet 115, MedGen C0220668, MONDO:0007363, OMIM 121050.

Allele frequency attached by ClinVar (database versions not stated): gnomAD 0.00011 and 0.00016; TOPMed 0.00015; ExAC 0.00037; 1000 Genomes Project 30x 0.00109; 1000 Genomes Project 0.00140.
gnomAD v4.1: 178 of 1,613,900 alleles (0.011%); highest among the groups gnomAD compares: East Asian, 0.34%; 1 homozygote.

Submissions (10):

Labcorp Genetics (formerly Invitae), Labcorp
Classification: Benign for Congenital contractural arachnodactyly. Last evaluated: 2025-11-03. Review status: criteria provided, single submitter. Criteria: Invitae Variant Classification Sherloc (09022015). Collection method: clinical testing. Allele origin: germline.

ARUP Laboratories, Molecular Genetics and Genomics, ARUP Laboratories
Classification: Likely benign. Last evaluated: 2025-01-21. Review status: criteria provided, single submitter. Criteria: ARUP Molecular Germline Variant Investigation Process 2024. Collection method: clinical testing. Allele origin: germline.

Blueprint Genetics
Classification: Benign. Last evaluated: 2024-09-05. Review status: criteria provided, single submitter. Criteria: ACMG Guidelines, 2015. Collection method: clinical testing. Allele origin: germline.

Women's Health and Genetics/Laboratory Corporation of America, LabCorp
Classification: Benign. Last evaluated: 2024-01-08. Review status: criteria provided, single submitter. Criteria: LabCorp Variant Classification Summary - May 2015. Collection method: clinical testing. Allele origin: germline.

Genome Diagnostics Laboratory, The Hospital for Sick Children
Classification: Benign for Ehlers-Danlos syndrome. Last evaluated: 2019-11-01. Review status: criteria provided, single submitter. Criteria: ACMG Guidelines, 2015. Collection method: clinical testing. Allele origin: germline.

Illumina Laboratory Services, Illumina
Classification: Benign for Congenital contractural arachnodactyly. Last evaluated: 2018-01-13. Review status: criteria provided, single submitter. Criteria: ICSL Variant Classification Criteria 13 December 2019. Collection method: clinical testing. Allele origin: germline.
Comment: This variant was observed in the ICSL laboratory as part of a predisposition screen in an ostensibly healthy population. It had not been previously curated by ICSL or reported in the Human Gene Mutation Database (HGMD: prior to June 1st, 2018), and was therefore a candidate for classification through an automated scoring system. Utilizing variant allele frequency, disease prevalence and penetrance estimates, and inheritance mode, an automated score was calculated to assess if this variant is too frequent to cause the disease. Based on the score and internal cut-off values, a variant classified as benign is not then subjected to further curation. The score for this variant resulted in a classification of benign for this disease.

Ambry Genetics
Classification: Likely benign for Familial thoracic aortic aneurysm and aortic dissection. Last evaluated: 2018-01-09. Review status: criteria provided, single submitter. Criteria: Ambry Variant Classification Scheme 2023. Collection method: clinical testing. Allele origin: germline.

GeneDx
Classification: Benign. Last evaluated: 2014-11-14. Review status: criteria provided, single submitter. Criteria: GeneDx Variant Classification (06012015). Collection method: clinical testing. Allele origin: germline. Affected: yes.
Comment: This variant is considered likely benign or benign based on one or more of the following criteria: it is a conservative change, it occurs at a poorly conserved position in the protein, it is predicted to be benign by multiple in silico algorithms, and/or has population frequency not consistent with disease.

Dr. Peter K. Rogan Lab, Western University
No classification provided (evidence only). Condition: Malignant tumor of esophagus. Review status: no classification provided. Collection method: in vitro. Allele origin: not applicable. Functional consequence: retained intron. Not counted in ClinVar's aggregate classification.

Dr. Peter K. Rogan Lab, Western University
No classification provided (evidence only). Condition: Malignant tumor of esophagus. Review status: no classification provided. Collection method: in vitro. Allele origin: not applicable. Functional consequence: retained intron. Not counted in ClinVar's aggregate classification.